The following is an entry in ClinVar:

NM_001394062.1(MACF1):c.18377A>T (p.Asp6126Val)

Gene: MACF1 (microtubule actin crosslinking factor 1; plus strand). Cytogenetic location: 1p34.3.
Variant type: single nucleotide variant.
Coding change: c.18377A>T on transcript NM_001394062.1 (MANE Select); coding-DNA position 18377, A replaced by T.
Protein change: p.Asp6126Val; replaces aspartic acid 6126 with valine.
Molecular consequence: missense variant.
Genome position (GRCh38, 1-based): chr1:39,439,430, A>T. VCF-style: chr1-39439430-A-T. GRCh37 (hg19) VCF-style: chr1-39905102-A-T.
Other names: c.6455A>T, p.Asp2152Val (NM_001397473.1); c.12200A>T, p.Asp4067Val (NM_012090.5); short protein forms D2152V, D4067V, D6126V.
Identifiers: ClinVar variation 1690388 (VCV001690388.5), dbSNP rs1205644060, ClinGen allele CA339809313.
Genomic context (GRCh38, chr1:39,439,430, plus strand): 5'-TAGCAGAGAAGTTCTGGTATGACATGGCAGCTCTCCTGACCACCATCAAAGACACCCAGG[A>T]TATTGTCCATGACTTGGAAAGCCCAGGCATTGATCCTTCCATCATCAAACAACAGGTTGA-3'
Protein context (NP_001380991.1, residues 6116-6136): ALLTTIKDTQ[Asp6126Val]IVHDLESPGI

ClinVar aggregate classification (germline): Uncertain significance. Review status: criteria provided, multiple submitters, no conflicts (2 of 4 stars). 3 submissions from 3 submitters: Uncertain significance (3). Last evaluated 2026-08-06.

Conditions:
Lissencephaly 9 with complex brainstem malformation. Identifiers: Orphanet 572013, MedGen C5193029, MONDO:0032677, OMIM 618325.

Submissions (3):

OLLIN Analises Genomicas, OLLIN
Classification: Uncertain significance for Lissencephaly 9 with complex brainstem malformation. Last evaluated: 2026-08-06. Review status: criteria provided, single submitter. Criteria: ACMG Guidelines 2015 PMID 25741868. Collection method: clinical testing. Allele origin: germline. Inheritance: Autosomal dominant inheritance.
Comment: This missense variant, located in exon 72 (of 101), is absent from gnomAD and has not been identified in the literature. However, it has been reported in ClinVar (accession VCV001690388.3). In silico analysis is inconclusive regarding the impact of this variant. This gene is constrained for missense variation. According to the currently available evidence, this variant has been classified as uncertain significance (PM2_P, PP2).

Dasa
Classification: Uncertain significance. Last evaluated: 2025-02-20. Review status: criteria provided, single submitter. Criteria: DASA Assertion Criteria. Collection method: clinical testing. Allele origin: germline.
Comment: NM_001394062.1(MACF1):c.18377A>T (p.Asp6126Val) is a missense variant that results in the substitution of aspartic acid with valine. This variant is absent from population databases. The currently available literature and clinical evidence are not sufficient to establish a definitive association between this variant and the reported condition. Therefore, this variant is classified as a variant of uncertain significance.

Laboratorio de Genetica e Diagnostico Molecular, Hospital Israelita Albert Einstein
Classification: Uncertain significance. Last evaluated: 2021-06-10. Review status: criteria provided, single submitter. Criteria: ACMG Guidelines, 2015. Collection method: clinical testing. Allele origin: germline. Affected: yes.
Comment: ACMG classification criteria: PM2, PP2